The following is an entry in ClinVar:

ClinVar aggregate classification (germline): Uncertain significance. Review status: criteria provided, multiple submitters, no conflicts (2 of 4 stars). 5 submissions from 5 submitters: Uncertain significance (4). 1 of the submissions does not count toward it. Last evaluated 2025-12-08.

Conditions:
Hereditary cancer-predisposing syndrome. Also called: Tumor predisposition; Hereditary Cancer Syndrome; Hereditary neoplastic syndrome; Neoplastic Syndromes, Hereditary. Identifiers: Orphanet 140162, MedGen C0027672, MeSH D009386, MONDO:0015356.
Ataxia-telangiectasia syndrome (AT). Also called: Ataxia telangiectasia (A-T); LOUIS-BAR SYNDROME; Cerebello-oculocutaneous telangiectasia; Immunodeficiency with ataxia telangiectasia; ATAXIA-TELANGIECTASIA, COMPLEMENTATION GROUP A; ATAXIA-TELANGIECTASIA, FRESNO VARIANT. Identifiers: Orphanet 100, MedGen C0004135, MONDO:0008840, OMIM 208900.
Familial cancer of breast. Also called: hereditary breast carcinoma; BREAST CANCER, FAMILIAL; Hereditary breast cancer. Identifiers: Orphanet 227535, MedGen C0346153, MONDO:0016419, OMIM 114480. Disease mechanism: loss of function.

Submissions (5):

Labcorp Genetics (formerly Invitae), Labcorp
Classification: Uncertain significance for Ataxia-telangiectasia syndrome. Last evaluated: 2025-12-08. Review status: criteria provided, single submitter. Criteria: Invitae Variant Classification Sherloc (09022015). Collection method: clinical testing. Allele origin: germline.
Comment: This sequence change replaces glutamine, which is neutral and polar, with lysine, which is basic and polar, at codon 1852 of the ATM protein (p.Gln1852Lys). This variant is not present in population databases (gnomAD no frequency). This variant has not been reported in the literature in individuals affected with ATM-related conditions. ClinVar contains an entry for this variant (Variation ID: 233142). Invitae Evidence Modeling of protein sequence and biophysical properties (such as structural, functional, and spatial information, amino acid conservation, physicochemical variation, residue mobility, and thermodynamic stability) indicates that this missense variant is not expected to disrupt ATM protein function with a negative predictive value of 95%. In summary, the available evidence is currently insufficient to determine the role of this variant in disease. Therefore, it has been classified as a Variant of Uncertain Significance.

Ambry Genetics
Classification: Uncertain significance for Hereditary cancer-predisposing syndrome. Last evaluated: 2024-04-18. Review status: criteria provided, single submitter. Criteria: Ambry Variant Classification Scheme 2023. Collection method: clinical testing. Allele origin: germline.
Comment: The p.Q1852K variant (also known as c.5554C>A), located in coding exon 36 of the ATM gene, results from a C to A substitution at nucleotide position 5554. The glutamine at codon 1852 is replaced by lysine, an amino acid with similar properties. This amino acid position is well conserved in available vertebrate species. In addition, this alteration is predicted to be tolerated by in silico analysis. Since supporting evidence is limited at this time, the clinical significance of this alteration remains unclear.

Baylor Genetics
Classification: Uncertain significance for Familial cancer of breast. Last evaluated: 2023-05-28. Review status: criteria provided, single submitter. Criteria: ACMG Guidelines, 2015. Collection method: clinical testing. Allele origin: unknown.

MGZ Medical Genetics Center
Classification: Uncertain significance for Familial cancer of breast. Last evaluated: 2021-08-30. Review status: criteria provided, single submitter. Criteria: ACMG Guidelines, 2015. Collection method: clinical testing. Allele origin: germline. Affected: yes. Observed: 1 variant allele.
Comment: ACMG criteria applied: PM2_SUP

Natera, Inc.
Classification: Uncertain significance for Ataxia-telangiectasia. Last evaluated: 2021-04-01. Review status: no assertion criteria provided. Collection method: clinical testing. Allele origin: germline. Not counted in ClinVar's aggregate classification.

NM_000051.4(ATM):c.5554C>A (p.Gln1852Lys)

Gene: ATM (ATM serine/threonine kinase; plus strand). Cytogenetic location: 11q22.3.
Variant type: single nucleotide variant.
Coding change: c.5554C>A on transcript NM_000051.4 (MANE Select); coding-DNA position 5554, C replaced by A.
Protein change: p.Gln1852Lys; replaces glutamine 1852 with lysine.
Molecular consequence: missense variant.
Genome position (GRCh38, 1-based): chr11:108,304,732, C>A. VCF-style: chr11-108304732-C-A. GRCh37 (hg19) VCF-style: chr11-108175459-C-A.
Other names: c.5554C>A, p.Gln1852Lys (NM_001351834.2); short protein forms Q1852K.
Identifiers: ClinVar variation 233142 (VCV000233142.23), dbSNP rs754562056, ClinGen allele CA10579186.